The following is an entry in ClinVar:

ClinVar aggregate classification (germline): Uncertain significance (1 of 4 stars; one submission).

gnomAD v4.1: 9 of 1,614,028 alleles (0.00056%); no homozygotes.

Submission:

Labcorp Genetics (formerly Invitae), Labcorp
Classification: Uncertain significance. Last evaluated: 2025-08-13. Review status: criteria provided, single submitter. Criteria: Invitae Variant Classification Sherloc (09022015). Collection method: clinical testing. Allele origin: germline.
Comment: This sequence change replaces isoleucine, which is neutral and non-polar, with valine, which is neutral and non-polar, at codon 1645 of the ALPK3 protein (p.Ile1645Val). This variant is present in population databases (rs755244843, gnomAD 0.02%). This variant has not been reported in the literature in individuals affected with ALPK3-related conditions. Invitae Evidence Modeling of protein sequence and biophysical properties (such as structural, functional, and spatial information, amino acid conservation, physicochemical variation, residue mobility, and thermodynamic stability) indicates that this missense variant is not expected to disrupt ALPK3 protein function with a negative predictive value of 80%. In summary, the available evidence is currently insufficient to determine the role of this variant in disease. Therefore, it has been classified as a Variant of Uncertain Significance.

NM_020778.5(ALPK3):c.4327A>G (p.Ile1443Val)

Gene: ALPK3 (alpha kinase 3; plus strand). Cytogenetic location: 15q25.3.
Variant type: single nucleotide variant.
Coding change: c.4327A>G on transcript NM_020778.5 (MANE Select); coding-DNA position 4327, A replaced by G.
Protein change: p.Ile1443Val; replaces isoleucine 1443 with valine.
Molecular consequence: missense variant.
Genome position (GRCh38, 1-based): chr15:84,862,832, A>G. VCF-style: chr15-84862832-A-G. GRCh37 (hg19) VCF-style: chr15-85406063-A-G.
Other names: short protein forms I1443V.
Identifiers: ClinVar variation 4699201 (VCV004699201.1).